The following is an entry in ClinVar:

NM_001134831.2(AHI1):c.478A>T (p.Lys160Ter)

Gene: AHI1 (Abelson helper integration site 1; minus strand). Cytogenetic location: 6q23.3.
Variant type: single nucleotide variant.
Coding change: c.478A>T on transcript NM_001134831.2 (MANE Select); coding-DNA position 478, A replaced by T.
Protein change: p.Lys160Ter; replaces lysine 160 with a stop codon.
Molecular consequence: nonsense.
Genome position (GRCh38, 1-based): chr6:135,466,085, T>A on the plus strand (A>T on the coding strand, the complement: AHI1 is on the minus strand). VCF-style: chr6-135466085-T-A. GRCh37 (hg19) VCF-style: chr6-135787223-T-A.
Other names: c.478A>T, p.Lys160Ter (NM_001134830.2, NM_001134832.2, NM_001350503.2 and 2 more transcripts); c.478A>T (NM_017651.4); short protein forms K160*.
Identifiers: ClinVar variation 1453940 (VCV001453940.8), dbSNP rs1257185309, ClinGen allele CA365751580.

ClinVar aggregate classification (germline): Pathogenic/Likely pathogenic. Review status: criteria provided, multiple submitters, no conflicts (2 of 4 stars). 3 submissions from 3 submitters: Pathogenic (2); Likely pathogenic (1). Last evaluated 2024-09-07.

Conditions:
Joubert syndrome 3 (JBTS3). Also called: AHI1-related Ciliopathy. Identifiers: Orphanet 220493, MedGen C1837713, MONDO:0012078, OMIM 608629.
Joubert syndrome. Also called: Familial aplasia of the vermis; JOUBERT-BOLTSHAUSER SYNDROME. Identifiers: Orphanet 475, MedGen C5979921, MONDO:0018772.

Allele frequency attached by ClinVar (database versions not stated): gnomAD exomes below 0.00001; TOPMed 0.00001.
gnomAD v4.1: 1 of 1,613,950 alleles (0.000062%); highest among the groups gnomAD compares: Non-Finnish European, 0.000085%; no homozygotes.

Submissions (3):

Myriad Genetics, Inc.
Classification: Pathogenic for Joubert syndrome 3. Last evaluated: 2024-09-07. Review status: criteria provided, single submitter. Criteria: Myriad Autosomal Dominant, Autosomal Recessive and X-Linked Classification Criteria (2023). Collection method: clinical testing. Allele origin: unknown.
Comment: NM_001134831.1(AHI1):c.478A>T(K160*) is expected to be pathogenic in the context of Joubert syndrome, AHI1-related. This variant is predicted to lead to an abnormal or absent protein product due to the creation of a premature termination codon in AHI1, a gene where loss-of-function variants are known to be pathogenic. Please note: this variant was assessed in the context of healthy population screening.

Fulgent Genetics
Classification: Likely pathogenic for Joubert syndrome 3. Last evaluated: 2024-03-08. Review status: criteria provided, single submitter. Criteria: ACMG Guidelines, 2015. Collection method: clinical testing. Allele origin: germline.

Labcorp Genetics (formerly Invitae), Labcorp
Classification: Pathogenic for Joubert syndrome. Last evaluated: 2023-11-10. Review status: criteria provided, single submitter. Criteria: Invitae Variant Classification Sherloc (09022015). Collection method: clinical testing. Allele origin: germline.
Comment: This sequence change creates a premature translational stop signal (p.Lys160*) in the AHI1 gene. It is expected to result in an absent or disrupted protein product. Loss-of-function variants in AHI1 are known to be pathogenic (PMID: 15322546, 16453322, 28442542, 29186038). This variant is present in population databases (no rsID available, gnomAD 0.0009%). This variant has not been reported in the literature in individuals affected with AHI1-related conditions. ClinVar contains an entry for this variant (Variation ID: 1453940). For these reasons, this variant has been classified as Pathogenic.

Literature cited by the submitters: PubMed 15322546 (cited by Labcorp Genetics (formerly Invitae), Labcorp); PubMed 16453322 (cited by Labcorp Genetics (formerly Invitae), Labcorp); PubMed 28442542 (cited by Labcorp Genetics (formerly Invitae), Labcorp); PubMed 29186038 (cited by Labcorp Genetics (formerly Invitae), Labcorp).